The following is an entry in ClinVar:

NM_181486.4(TBX5):c.1073A>G (p.Tyr358Cys)

Gene: TBX5 (T-box transcription factor 5; minus strand). Cytogenetic location: 12q24.21.
Variant type: single nucleotide variant.
Coding change: c.1073A>G on transcript NM_181486.4 (MANE Select); coding-DNA position 1073, A replaced by G.
Protein change: p.Tyr358Cys; replaces tyrosine 358 with cysteine.
Molecular consequence: missense variant.
Genome position (GRCh38, 1-based): chr12:114,356,016, T>C on the plus strand (A>G on the coding strand, the complement: TBX5 is on the minus strand). VCF-style: chr12-114356016-T-C. GRCh37 (hg19) VCF-style: chr12-114793821-T-C.
Other names: c.1073A>G, p.Tyr358Cys (NM_000192.3); c.923A>G, p.Tyr308Cys (NM_080717.4); short protein forms Y358C, Y308C.
Identifiers: ClinVar variation 1784052 (VCV001784052.3), dbSNP rs2540425471, ClinGen allele CA386925844.

ClinVar aggregate classification (germline): Uncertain significance. Review status: criteria provided, multiple submitters, no conflicts (2 of 4 stars). 2 submissions from 2 submitters: Uncertain significance (2). Last evaluated 2021-06-04.

Conditions:
Cardiovascular phenotype. Identifiers: MedGen CN230736.

Submissions (2):

Blueprint Genetics
Classification: Uncertain significance. Last evaluated: 2021-06-04. Review status: criteria provided, single submitter. Criteria: ACMG Guidelines, 2015. Collection method: clinical testing. Allele origin: germline.

Ambry Genetics
Classification: Uncertain significance for Cardiovascular phenotype. Last evaluated: 2019-11-27. Review status: criteria provided, single submitter. Criteria: Ambry Variant Classification Scheme 2023. Collection method: clinical testing. Allele origin: germline.
Comment: The p.Y358C variant (also known as c.1073A>G), located in coding exon 8 of the TBX5 gene, results from an A to G substitution at nucleotide position 1073. The tyrosine at codon 358 is replaced by cysteine, an amino acid with highly dissimilar properties. This amino acid position is highly conserved in available vertebrate species. In addition, the in silico prediction for this alteration is inconclusive. Since supporting evidence is limited at this time, the clinical significance of this alteration remains unclear.